The following is an entry in ClinVar:

ClinVar aggregate classification (germline): Pathogenic/Likely pathogenic. Review status: criteria provided, multiple submitters, no conflicts (2 of 4 stars). 3 submissions from 3 submitters: Pathogenic (1); Likely pathogenic (1). 1 of the submissions does not count toward it. Last evaluated 2025-09-24.

Conditions:
Methylmalonic aciduria due to methylmalonyl-CoA mutase deficiency (MAMM). Also called: Methylmalonic aciduria, mut type. Identifiers: Orphanet 27, MedGen C1855114, MONDO:0009612, OMIM 251000.

Submissions (3):

Genesolutions, Medical Genetics Institutes, Ho Chi Minh City, Vietnam
Classification: Likely pathogenic for Methylmalonic aciduria due to methylmalonyl-CoA mutase deficiency. Last evaluated: 2025-09-24. Review status: criteria provided, single submitter. Criteria: ACMG Guidelines, 2015. Collection method: clinical testing. Allele origin: germline. Affected: yes.

Labcorp Genetics (formerly Invitae), Labcorp
Classification: Pathogenic. Last evaluated: 2023-11-30. Review status: criteria provided, single submitter. Criteria: Invitae Variant Classification Sherloc (09022015). Collection method: clinical testing. Allele origin: germline.
Comment: This sequence change affects an acceptor splice site in intron 3 of the MUT gene. It is expected to disrupt RNA splicing. Variants that disrupt the donor or acceptor splice site typically lead to a loss of protein function (PMID: 16199547), and loss-of-function variants in MUT are known to be pathogenic (PMID: 15781192). This variant is not present in population databases (gnomAD no frequency). Disruption of this splice site has been observed in individual(s) with methylmalonic aciduria (PMID: 27233228). ClinVar contains an entry for this variant (Variation ID: 552691). Algorithms developed to predict the effect of sequence changes on RNA splicing suggest that this variant may disrupt the consensus splice site. For these reasons, this variant has been classified as Pathogenic.

Counsyl
Classification: Likely pathogenic for Methylmalonic aciduria due to methylmalonyl-CoA mutase deficiency. Last evaluated: 2017-06-30. Review status: no assertion criteria provided. Collection method: clinical testing. Allele origin: unknown. Not counted in ClinVar's aggregate classification.

Literature cited by the submitters: PubMed 16199547 (cited by Labcorp Genetics (formerly Invitae), Labcorp); PubMed 15781192 (cited by Labcorp Genetics (formerly Invitae), Labcorp); PubMed 27233228 (cited by Labcorp Genetics (formerly Invitae), Labcorp and Counsyl).

NM_000255.4(MMUT):c.754-2A>G

Gene: MMUT (methylmalonyl-CoA mutase; minus strand). Cytogenetic location: 6p12.3.
Variant type: single nucleotide variant.
Coding change: c.754-2A>G on transcript NM_000255.4 (MANE Select); the canonical splice acceptor site of the intron before coding-DNA position 754, A replaced by G.
Molecular consequence: splice acceptor variant.
Genome position (GRCh38, 1-based): chr6:49,456,239, T>C on the plus strand (A>G on the coding strand, the complement: MMUT is on the minus strand). VCF-style: chr6-49456239-T-C. GRCh37 (hg19) VCF-style: chr6-49423952-T-C.
Identifiers: ClinVar variation 552691 (VCV000552691.10), dbSNP rs1405705785, ClinGen allele CA364402853.
Genomic context (GRCh38, chr6:49,456,239, plus strand): 5'-GCCCCTGCTTCCTGCATATGGTATCCACTAATTGAAATTGAATTAAATTTTGGCATGTGC[T>C]ACATAAAAAAAAAAATTGTAACAGTGAATAAGTAAAAATATTAAAAGGTCCTATTAAATC-3'